The following is an entry in ClinVar:

ClinVar aggregate classification (germline): Uncertain significance (1 of 4 stars; one submission).

Submission:

GeneDx
Classification: Uncertain significance. Last evaluated: 2023-05-26. Review status: criteria provided, single submitter. Criteria: GeneDx Variant Classification Process June 2021. Collection method: clinical testing. Allele origin: germline. Affected: yes.
Comment: Reported using an alternate transcript of the gene; In silico analysis supports a deleterious effect on splicing; No data available from control populations to assess the frequency of this variant; Has not been previously published as pathogenic or benign to our knowledge

NM_001519.4(BRF1):c.544+5438del

Gene: BRF1 (BRF1 general transcription factor IIIB subunit; minus strand). Cytogenetic location: 14q32.33.
Variant type: Deletion.
Coding change: c.544+5438del on transcript NM_001519.4 (MANE Select); 5438 bases into the intron after coding-DNA position 544, one base deleted (T; older notation c.544+5438delT).
Molecular consequence: intron variant. On other transcripts: splice donor variant (1).
Genome position (GRCh38, 1-based): chr14:105,247,069, A deleted on the plus strand (T on the coding strand, the reverse complement: BRF1 is on the minus strand). VCF-style (leftmost placement, unchanged base first): chr14-105247068-TA-T. GRCh37 (hg19) VCF-style: chr14-105713405-TA-T.
Other names: c.199+5438del (NM_001242787.2, NM_001242786.2); c.463+5438del (NM_001242788.2); c.-21+2080del (NM_001242789.2); c.-69+2del (NM_145685.3).
Identifiers: ClinVar variation 3343748 (VCV003343748.1).
Genomic context (GRCh38, chr14:105,247,068, plus strand): 5'-ACATGTAGGCTGTCTCCACTCTGGCCATTTGTATTTCTCCTGGAAACTGCTTATGCCCGT[TA>T]CCTTTTTCTATGGAAACAGACGGCTGGGACAGAAACCACGGCCACAGCAGCCAGCGTGTC-3'